The following is an entry in ClinVar:

NM_001009999.3(KDM1A):c.1663T>A (p.Trp555Arg)

Gene: KDM1A (lysine demethylase 1A; plus strand). Cytogenetic location: 1p36.12.
Variant type: single nucleotide variant.
Coding change: c.1663T>A on transcript NM_001009999.3 (MANE Select); coding-DNA position 1663, T replaced by A.
Protein change: p.Trp555Arg; replaces tryptophan 555 with arginine.
Molecular consequence: missense variant.
Genome position (GRCh38, 1-based): chr1:23,073,332, T>A. VCF-style: chr1-23073332-T-A. GRCh37 (hg19) VCF-style: chr1-23399825-T-A.
Other names: c.1609T>A, p.Trp537Arg (NM_001363654.2); c.1669T>A, p.Trp557Arg (NM_001410762.1); c.1591T>A, p.Trp531Arg (NM_001410763.1, NM_015013.4); short protein forms W555R, W557R, W531R, W537R.
Identifiers: ClinVar variation 4826119 (VCV004826119.1).

ClinVar aggregate classification (germline): Uncertain significance (1 of 4 stars; one submission).

Conditions:
Inborn genetic diseases. Identifiers: MedGen C0950123, MeSH D030342.

Submission:

Ambry Genetics
Classification: Uncertain significance for Inborn genetic diseases. Last evaluated: 2026-03-08. Review status: criteria provided, single submitter. Criteria: Ambry Variant Classification Scheme 2023. Collection method: clinical testing. Allele origin: germline.
Comment: The p.W555R variant (also known as c.1663T>A), located in coding exon 15 of the KDM1A gene, results from a T to A substitution at nucleotide position 1663. The tryptophan at codon 555 is replaced by arginine, an amino acid with dissimilar properties. This amino acid position is conserved. In addition, this alteration is predicted to be deleterious by in silico analysis. Based on the available evidence, the clinical significance of this variant remains unclear.